The following is an entry in ClinVar:

NM_006016.6(CD164):c.563A>G (p.Lys188Arg)

Gene: CD164 (CD164 molecule; minus strand). Cytogenetic location: 6q21.
Variant type: single nucleotide variant.
Coding change: c.563A>G on transcript NM_006016.6 (MANE Select); coding-DNA position 563, A replaced by G.
Protein change: p.Lys188Arg; replaces lysine 188 with arginine.
Molecular consequence: missense variant. On other transcripts: intron variant (2).
Genome position (GRCh38, 1-based): chr6:109,368,882, T>C on the plus strand (A>G on the coding strand, the complement: CD164 is on the minus strand). VCF-style: chr6-109368882-T-C. GRCh37 (hg19) VCF-style: chr6-109690085-T-C.
Other names: c.524A>G, p.Lys175Arg (NM_001142401.3); c.506A>G, p.Lys169Arg (NM_001142402.3); c.461A>G, p.Lys154Arg (NM_001346500.2); c.428-557A>G (NM_001142404.3); c.523+40A>G (NM_001142403.3); short protein forms K154R, K169R, K175R, K188R.
Identifiers: ClinVar variation 1373767 (VCV001373767.8), dbSNP rs780424542, ClinGen allele CA3951495.
Genomic context (GRCh38, chr6:109,368,882, plus strand): 5'-ACCAGTCCTTATTAATTCAATGGGTCTGTTTACAGAGTGTGGTAATTTCGTTCTTTAGAT[T>C]TGCAGAATTTATAAAGAAAGAAAATTACAGCCTGCACACCCAAGACCAGGACAATTCCTC-3'
Protein context (NP_006007.2, residues 178-197): AVIFFLYKFC[Lys188Arg]SKERNYHTL

ClinVar aggregate classification (germline): Uncertain significance (1 of 4 stars; one submission).

Allele frequency attached by ClinVar (database versions not stated): ExAC 0.00001; gnomAD exomes 0.00001; TOPMed 0.00002; gnomAD 0.00003.

Submission:

Labcorp Genetics (formerly Invitae), Labcorp
Classification: Uncertain significance. Last evaluated: 2024-09-19. Review status: criteria provided, single submitter. Criteria: Invitae Variant Classification Sherloc (09022015). Collection method: clinical testing. Allele origin: germline.
Comment: This sequence change replaces lysine, which is basic and polar, with arginine, which is basic and polar, at codon 188 of the CD164 protein (p.Lys188Arg). This variant is present in population databases (rs780424542, gnomAD 0.008%). This variant has not been reported in the literature in individuals affected with CD164-related conditions. ClinVar contains an entry for this variant (Variation ID: 1373767). An algorithm developed to predict the effect of missense changes on protein structure and function (PolyPhen-2) suggests that this variant is likely to be disruptive. In summary, the available evidence is currently insufficient to determine the role of this variant in disease. Therefore, it has been classified as a Variant of Uncertain Significance.